The following is an entry in ClinVar:

ClinVar aggregate classification (germline): Uncertain significance (1 of 4 stars; one submission).

Submission:

Labcorp Genetics (formerly Invitae), Labcorp
Classification: Uncertain significance. Last evaluated: 2023-11-03. Review status: criteria provided, single submitter. Criteria: Invitae Variant Classification Sherloc (09022015). Collection method: clinical testing. Allele origin: germline.
Comment: This sequence change falls in intron 4 of the TGFB1 gene. It does not directly change the encoded amino acid sequence of the TGFB1 protein. It affects a nucleotide within the consensus splice site. This variant is not present in population databases (gnomAD no frequency). This variant has not been reported in the literature in individuals affected with TGFB1-related conditions. Variants that disrupt the consensus splice site are a relatively common cause of aberrant splicing (PMID: 17576681, 9536098). Algorithms developed to predict the effect of sequence changes on RNA splicing suggest that this variant is not likely to affect RNA splicing. In summary, the available evidence is currently insufficient to determine the role of this variant in disease. Therefore, it has been classified as a Variant of Uncertain Significance.

Literature cited by the submitters: PubMed 17576681; PubMed 9536098.

NM_000660.7(TGFB1):c.712+6G>C

Gene: TGFB1 (transforming growth factor beta 1; minus strand). Cytogenetic location: 19q13.2.
Variant type: single nucleotide variant.
Coding change: c.712+6G>C on transcript NM_000660.7 (MANE Select); 6 bases into the intron after coding-DNA position 712, G replaced by C.
Molecular consequence: intron variant.
Genome position (GRCh38, 1-based): chr19:41,342,164, C>G on the plus strand (G>C on the coding strand, the complement: TGFB1 is on the minus strand). VCF-style: chr19-41342164-C-G. GRCh37 (hg19) VCF-style: chr19-41848069-C-G.
Identifiers: ClinVar variation 2693026 (VCV002693026.3), dbSNP rs2513381652, ClinGen allele CA2697556592.
Genomic context (GRCh38, chr19:41,342,164, plus strand): 5'-GGGCAGATGGGAACACACACACGCACACACGTCACAACTGGGCATGGCCGGGGAAGCAGG[C>G]CTCACCGTTGATGTCCACTTGCAGTGTGTTATCCCTGCTGTCACAGGAGCAGTGGGCGCT-3'